The following is an entry in ClinVar:

NM_005045.4(RELN):c.8683C>A (p.Arg2895Ser)

Genes: RELN (reelin; minus strand), SLC26A5-AS1 (SLC26A5 antisense RNA 1; plus strand). Cytogenetic location: 7q22.1.
Variant type: single nucleotide variant.
Coding change: c.8683C>A on transcript NM_005045.4 (MANE Select); coding-DNA position 8683, C replaced by A.
Protein change: p.Arg2895Ser; replaces arginine 2895 with serine.
Molecular consequence: missense variant.
Genome position (GRCh38, 1-based): chr7:103,498,237, G>T on the plus strand (C>A on the coding strand, the complement: RELN is on the minus strand). VCF-style: chr7-103498237-G-T. GRCh37 (hg19) VCF-style: chr7-103138684-G-T.
Other names: c.8683C>A, p.Arg2895Ser (NM_173054.3); short protein forms R2895S.
Identifiers: ClinVar variation 2936143 (VCV002936143.3), dbSNP rs573510714, ClinGen allele CA368753789.

ClinVar aggregate classification (germline): Uncertain significance (1 of 4 stars; one submission).

Conditions:
Familial temporal lobe epilepsy 7. Identifiers: Orphanet 101046, MedGen C4225327, MONDO:0014639, OMIM 616436.
Norman-Roberts syndrome (LIS2). Also called: Lissencephaly 2 (Norman-Roberts type). Identifiers: Orphanet 89844, MedGen C0796089, MONDO:0009760, OMIM 257320.

gnomAD v4.1: 1 of 1,613,746 alleles (0.000062%); highest among the groups gnomAD compares: African/African-American, 0.0013%; no homozygotes.

Submission:

Labcorp Genetics (formerly Invitae), Labcorp
Classification: Uncertain significance for Familial temporal lobe epilepsy 7; Norman-Roberts syndrome. Last evaluated: 2023-12-11. Review status: criteria provided, single submitter. Criteria: Invitae Variant Classification Sherloc (09022015). Collection method: clinical testing. Allele origin: germline.
Comment: This sequence change replaces arginine, which is basic and polar, with serine, which is neutral and polar, at codon 2895 of the RELN protein (p.Arg2895Ser). This variant is not present in population databases (gnomAD no frequency). This variant has not been reported in the literature in individuals affected with RELN-related conditions. Advanced modeling of protein sequence and biophysical properties (such as structural, functional, and spatial information, amino acid conservation, physicochemical variation, residue mobility, and thermodynamic stability) performed at Invitae indicates that this missense variant is not expected to disrupt RELN protein function with a negative predictive value of 80%. In summary, the available evidence is currently insufficient to determine the role of this variant in disease. Therefore, it has been classified as a Variant of Uncertain Significance.